The following is an entry in ClinVar:

NM_017950.4(CCDC40):c.2449+2_2449+5del

Gene: CCDC40 (coiled-coil domain 40 molecular ruler complex subunit; plus strand). Cytogenetic location: 17q25.3.
Variant type: Deletion.
Coding change: c.2449+2_2449+5del on transcript NM_017950.4 (MANE Select); the canonical splice donor site of the intron after coding-DNA position 2449 through 5 bases into the intron after coding-DNA position 2449, 4 bases deleted (TAAG; older notation c.2449+2_2449+5delTAAG).
Molecular consequence: splice donor variant.
Genome position (GRCh38, 1-based): chr17:80,086,218-80,086,221, TAAG deleted; deleting any 4 consecutive bases within chr17:80,086,215-80,086,221 gives the same sequence; the c. name uses the placement nearest the transcript's 3' end. VCF-style (leftmost placement, unchanged base first): chr17-80086214-AAAGT-A. GRCh37 (hg19) VCF-style: chr17-78060013-AAAGT-A.
Other names: c.2449+2_2449+5del (NM_001243342.2).
Identifiers: ClinVar variation 4818928 (VCV004818928.6).

ClinVar aggregate classification (germline): Pathogenic/Likely pathogenic. Review status: criteria provided, multiple submitters, no conflicts (2 of 4 stars). 3 submissions from 3 submitters: Pathogenic (2); Likely pathogenic (1). Last evaluated 2026-03-27.

Conditions:
Primary ciliary dyskinesia 15. Also called: CILIARY DYSKINESIA, PRIMARY, 15, WITH OR WITHOUT SITUS INVERSUS. Identifiers: Orphanet 244, MedGen C3151137, MONDO:0013435, OMIM 613808.

Submissions (3):

The Research Institute of Tuberculosis, Japan Anti-Tuberculosis Association
Classification: Likely pathogenic for Primary ciliary dyskinesia 15. Last evaluated: 2026-03-27. Review status: criteria provided, single submitter. Criteria: ACMG Guidelines, 2015. Collection method: research. Allele origin: germline. Inheritance: Autosomal recessive inheritance. Affected: yes.
Comment: Classification derived from Franklin (Genoox) summary and internal review. ACMG/AMP guidelines were applied for SNV/indel interpretation. Final classification: Likely pathogenic. This variant is a null variant (SPLICE_DONOR) in a gene where loss of function is an established mechanism of disease, supporting PVS1. This variant is absent or present at extremely low frequency in population databases (gnomAD: exome 0.00076; genome 0), supporting PM2. Evidence (ACMG/AMP codes): PVS1, PM2.

CeGaT Center for Human Genetics Tuebingen
Classification: Pathogenic. Last evaluated: 2026-02-01. Review status: criteria provided, single submitter. Criteria: CeGaT Center For Human Genetics Tuebingen Variant Classification Criteria Version 2. Collection method: clinical testing. Allele origin: germline. Affected: yes. Observed: 1 variant allele.
Comment: CCDC40: PVS1, PM2, PM3

Juno Genomics, Hangzhou Juno Genomics, Inc
Classification: Pathogenic for Primary ciliary dyskinesia 15. Review status: criteria provided, single submitter. Criteria: ACMG Guidelines, 2015. Collection method: clinical testing. Allele origin: germline. Affected: yes.
Comment: Absent from controls (or at extremely low frequency if recessive) in Genome Aggregation Database.;Null variant in a gene where loss of function (LOF) is a known mechanism of disease.;For recessive disorders, detected in trans with a pathogenic variant.;Patient's phenotype or family history is highly specific for a disease with a single genetic etiology.

Literature cited by the submitters: PubMed 39462806 (cited by The Research Institute of Tuberculosis, Japan Anti-Tuberculosis Association).